The following is an entry in ClinVar:

ClinVar aggregate classification (germline): Likely benign. Review status: criteria provided, multiple submitters, no conflicts (2 of 4 stars). 2 submissions from 2 submitters: Likely benign (2). Last evaluated 2026-08-04.

Conditions:
Hereditary pheochromocytoma and paraganglioma. Also called: Hereditary Paraganglioma-Pheochromocytoma Syndromes; Hereditary paragangliomas and pheochromocytomas; Hereditary pheochromocytoma-paraganglioma. Identifiers: Orphanet 29072, MedGen C4274332, MONDO:0017366.
Pheochromocytoma/paraganglioma syndrome 2. Also called: GLOMUS TUMORS, FAMILIAL, 2; Paragangliomas 2; SDHAF2-Related Hereditary Paraganglioma-Pheochromocytoma Syndrome (Paragangliomas 2); SDHAF2-Related Hereditary Paraganglioma-Pheochromocytoma Syndrome. Identifiers: Orphanet 29072, MedGen C1866552, MONDO:0011121, OMIM 601650.

Allele frequency attached by ClinVar (database versions not stated): gnomAD 0.00005; gnomAD exomes 0.00001; ExAC 0.00001; TOPMed 0.00009.
gnomAD v4.1: 18 of 1,585,138 alleles (0.0011%); highest among the groups gnomAD compares: African/African-American, 0.023%; no homozygotes.

Submissions (2):

Myriad Genetics, Inc.
Classification: Likely benign for Pheochromocytoma/paraganglioma syndrome 2. Last evaluated: 2026-08-04. Review status: criteria provided, single submitter. Criteria: Myriad Autosomal Dominant, Autosomal Recessive and X-Linked Classification Criteria (2023). Collection method: clinical testing. Allele origin: unknown.
Comment: This variant is considered likely benign. This variant is intronic and is not expected to impact mRNA splicing.

Labcorp Genetics (formerly Invitae), Labcorp
Classification: Likely benign for Hereditary pheochromocytoma and paraganglioma. Last evaluated: 2025-10-24. Review status: criteria provided, single submitter. Criteria: Invitae Variant Classification Sherloc (09022015). Collection method: clinical testing. Allele origin: germline.

NM_017841.4(SDHAF2):c.370+8G>C

Gene: SDHAF2 (succinate dehydrogenase complex assembly factor 2; plus strand). Cytogenetic location: 11q12.2.
Variant type: single nucleotide variant.
Coding change: c.370+8G>C on transcript NM_017841.4 (MANE Select); 8 bases into the intron after coding-DNA position 370, G replaced by C.
Molecular consequence: intron variant.
Genome position (GRCh38, 1-based): chr11:61,438,121, G>C. VCF-style: chr11-61438121-G-C. GRCh37 (hg19) VCF-style: chr11-61205593-G-C.
Identifiers: ClinVar variation 463815 (VCV000463815.12), dbSNP rs764742919, ClinGen allele CA058941.